The following is an entry in ClinVar:

ClinVar aggregate classification (germline): Uncertain significance. Review status: criteria provided, multiple submitters, no conflicts (2 of 4 stars). 2 submissions from 2 submitters: Uncertain significance (2). Last evaluated 2025-10-07.

Conditions:
Inborn genetic diseases. Identifiers: MedGen C0950123, MeSH D030342.

gnomAD v4.1: 1 of 1,613,618 alleles (0.000062%); highest among the groups gnomAD compares: South Asian, 0.0011%; no homozygotes.

Submissions (2):

Labcorp Genetics (formerly Invitae), Labcorp
Classification: Uncertain significance. Last evaluated: 2025-10-07. Review status: criteria provided, single submitter. Criteria: Invitae Variant Classification Sherloc (09022015). Collection method: clinical testing. Allele origin: germline.
Comment: This sequence change replaces glycine, which is neutral and non-polar, with aspartic acid, which is acidic and polar, at codon 47 of the SON protein (p.Gly47Asp). This variant is not present in population databases (gnomAD no frequency). This variant has not been reported in the literature in individuals affected with SON-related conditions. ClinVar contains an entry for this variant (Variation ID: 2260152). An algorithm developed to predict the effect of missense changes on protein structure and function (PolyPhen-2) suggests that this variant is likely to be disruptive. In summary, the available evidence is currently insufficient to determine the role of this variant in disease. Therefore, it has been classified as a Variant of Uncertain Significance.

Ambry Genetics
Classification: Uncertain significance for Inborn genetic diseases. Last evaluated: 2021-11-09. Review status: criteria provided, single submitter. Criteria: Ambry Variant Classification Scheme 2023. Collection method: clinical testing. Allele origin: germline.

NM_138927.4(SON):c.140G>A (p.Gly47Asp)

Gene: SON (SON DNA and RNA binding protein; plus strand). Cytogenetic location: 21q22.11.
Variant type: single nucleotide variant.
Coding change: c.140G>A on transcript NM_138927.4 (MANE Select); coding-DNA position 140, G replaced by A.
Protein change: p.Gly47Asp; replaces glycine 47 with aspartic acid.
Molecular consequence: missense variant. On other transcripts: non-coding transcript variant (1).
Genome position (GRCh38, 1-based): chr21:33,546,275, G>A. VCF-style: chr21-33546275-G-A. GRCh37 (hg19) VCF-style: chr21-34918581-G-A.
Other names: c.140G>A, p.Gly47Asp (NM_001291411.2, NM_001291412.3, NM_001412132.1 and 4 more transcripts); short protein forms G47D.
Identifiers: ClinVar variation 2260152 (VCV002260152.3), dbSNP rs2517326097, ClinGen allele CA410149238.